The following is an entry in ClinVar:

NM_018192.4(P3H2):c.1248C>T (p.Asn416=)

Gene: P3H2 (prolyl 3-hydroxylase 2; minus strand). Cytogenetic location: 3q28.
Variant type: single nucleotide variant.
Coding change: c.1248C>T on transcript NM_018192.4 (MANE Select); coding-DNA position 1248, C replaced by T.
Protein change: p.Asn416=; no amino-acid change (asparagine 416 retained).
Molecular consequence: synonymous variant.
Genome position (GRCh38, 1-based): chr3:189,983,122, G>A on the plus strand (C>T on the coding strand, the complement: P3H2 is on the minus strand). VCF-style: chr3-189983122-G-A. GRCh37 (hg19) VCF-style: chr3-189700911-G-A.
Other names: c.1248C>T (NM_018192.3); c.705C>T, p.Asn235= (NM_001134418.2).
Identifiers: ClinVar variation 1100734 (VCV001100734.9), dbSNP rs374730144, ClinGen allele CA2753002.

ClinVar aggregate classification (germline): Likely benign. Review status: criteria provided, multiple submitters, no conflicts (2 of 4 stars). 3 submissions from 3 submitters: Likely benign (3). Last evaluated 2025-02-26.

Conditions:
P3H2-related disorder. Also called: P3H2-related condition.

Allele frequency attached by ClinVar (database versions not stated): ExAC 0.00001; gnomAD exomes 0.00001 and 0.00002; gnomAD 0.00004 and 0.00005; TOPMed 0.00006; ESP Exome Variant Server 0.00008.
gnomAD v4.1: 39 of 1,613,570 alleles (0.0024%); highest among the groups gnomAD compares: Middle Eastern, 0.016%; no homozygotes.

Submissions (3):

PreventionGenetics, part of Exact Sciences
Classification: Likely benign for P3H2-related condition. Last evaluated: 2025-02-26. Review status: criteria provided, single submitter. Criteria: ACMG Guidelines, 2015. Collection method: clinical testing. Allele origin: germline.
Comment: This variant is classified as likely benign based on ACMG/AMP sequence variant interpretation guidelines (Richards et al. 2015 PMID: 25741868, with internal and published modifications).

Labcorp Genetics (formerly Invitae), Labcorp
Classification: Likely benign. Last evaluated: 2024-08-08. Review status: criteria provided, single submitter. Criteria: Invitae Variant Classification Sherloc (09022015). Collection method: clinical testing. Allele origin: germline.

Blueprint Genetics
Classification: Likely benign. Last evaluated: 2022-11-07. Review status: criteria provided, single submitter. Criteria: ACMG Guidelines, 2015. Collection method: clinical testing. Allele origin: germline.